The following is an entry in ClinVar:

ClinVar aggregate classification (germline): Uncertain significance. Review status: criteria provided, multiple submitters, no conflicts (2 of 4 stars). 4 submissions from 4 submitters: Uncertain significance (4). Last evaluated 2025-09-22.

Conditions:
Thrombomodulin-related bleeding disorder (THPH12). Also called: Thrombophilia due to thrombomodulin defect. Identifiers: Orphanet 436169, MedGen C3280976, MONDO:0013775, OMIM 614486.
Atypical hemolytic-uremic syndrome with thrombomodulin anomaly. Also called: HEMOLYTIC UREMIC SYNDROME, ATYPICAL, SUSCEPTIBILITY TO, 6; AHUS, SUSCEPTIBILITY TO, 6. Identifiers: MedGen C2752036, MONDO:0013044, OMIM 612926. Disease mechanism: gain of function.

Allele frequency attached by ClinVar (database versions not stated): gnomAD exomes 0.00002; ExAC 0.00003; TOPMed below 0.00001; gnomAD 0.00001.
gnomAD v4.1: 34 of 1,608,828 alleles (0.0021%); highest among the groups gnomAD compares: East Asian, 0.018%; 1 homozygote.

Submissions (4):

Genomenon, Inc
Classification: Uncertain significance for Thrombomodulin-related bleeding disorder. Last evaluated: 2025-09-22. Review status: criteria provided, single submitter. Criteria: Genomenon Sequence Variant Interpretation Standards - Updated. Collection method: curation. Allele origin: germline. Affected: no.
Comment: THBD p.Thr500Met (c.1499C>T) is a missense variant that changes the amino acid at residue 500 from Threonine to Methionine. This variant has been reported in the published literature (PMID:25951460;29511899;23314101). It is absent or not present at a significant frequency in gnomAD. In silico models agree that this variant is not damaging. In conclusion, we classify THBD p.Thr500Met (c.1499C>T) as a variant of unknown significance.

Mayo Clinic Laboratories, Mayo Clinic
Classification: Uncertain significance. Last evaluated: 2025-07-30. Review status: criteria provided, single submitter. Criteria: ACMG Guidelines, 2015. Collection method: clinical testing. Allele origin: germline. Observed: 1 variant allele.
Comment: BP4

Labcorp Genetics (formerly Invitae), Labcorp
Classification: Uncertain significance. Last evaluated: 2024-11-18. Review status: criteria provided, single submitter. Criteria: Invitae Variant Classification Sherloc (09022015). Collection method: clinical testing. Allele origin: germline.
Comment: This sequence change replaces threonine, which is neutral and polar, with methionine, which is neutral and non-polar, at codon 500 of the THBD protein (p.Thr500Met). This variant is present in population databases (rs753344243, gnomAD 0.02%). This missense change has been observed in individual(s) with atypical hemolytic uremic syndrome (aHUS) (PMID: 23314101). ClinVar contains an entry for this variant (Variation ID: 1376457). Invitae Evidence Modeling of protein sequence and biophysical properties (such as structural, functional, and spatial information, amino acid conservation, physicochemical variation, residue mobility, and thermodynamic stability) indicates that this missense variant is not expected to disrupt THBD protein function with a negative predictive value of 80%. In summary, the available evidence is currently insufficient to determine the role of this variant in disease. Therefore, it has been classified as a Variant of Uncertain Significance.

Fulgent Genetics
Classification: Uncertain significance for Atypical hemolytic-uremic syndrome with thrombomodulin anomaly; Thrombomodulin-related bleeding disorder. Last evaluated: 2024-02-09. Review status: criteria provided, single submitter. Criteria: ACMG Guidelines, 2015. Collection method: clinical testing. Allele origin: germline.

Literature cited by the submitters: PubMed 25951460 (cited by Genomenon, Inc); PubMed 29511899 (cited by Genomenon, Inc); PubMed 23314101 (cited by 3 submitters); PubMed 37647632 (cited by Mayo Clinic Laboratories, Mayo Clinic).

NM_000361.3(THBD):c.1499C>T (p.Thr500Met)

Gene: THBD (thrombomodulin; minus strand). Cytogenetic location: 20p11.21.
Variant type: single nucleotide variant.
Coding change: c.1499C>T on transcript NM_000361.3 (MANE Select); coding-DNA position 1499, C replaced by T.
Protein change: p.Thr500Met; replaces threonine 500 with methionine.
Molecular consequence: missense variant.
Genome position (GRCh38, 1-based): chr20:23,048,006, G>A on the plus strand (C>T on the coding strand, the complement: THBD is on the minus strand). VCF-style: chr20-23048006-G-A. GRCh37 (hg19) VCF-style: chr20-23028643-G-A.
Other names: p.Thr500Met; short protein forms T500M.
Identifiers: ClinVar variation 1376457 (VCV001376457.9), dbSNP rs753344243, ClinGen allele CA9787546.
Genomic context (GRCh38, chr20:23,048,006, plus strand): 5'-CCTATGAGCAAGCCCGAATGCACGAGCCCCACGGCCGGAGGAGTCAAGGTGGAGCCGGGC[G>A]TCGGGCTGGGCGGGGGCTCGCCAGAGCCGCTGTCGCCACCGTCCACCTTGCCGGAGTCAC-3'
Protein context (NP_000352.1, residues 490-510): SGSGEPPPSP[Thr500Met]PGSTLTPPAV